The following is an entry in ClinVar:

NM_018896.5(CACNA1G):c.2015G>C (p.Arg672Pro)

Gene: CACNA1G (calcium voltage-gated channel subunit alpha1 G; plus strand). Cytogenetic location: 17q21.33.
Variant type: single nucleotide variant.
Coding change: c.2015G>C on transcript NM_018896.5 (MANE Select); coding-DNA position 2015, G replaced by C.
Protein change: p.Arg672Pro; replaces arginine 672 with proline.
Molecular consequence: missense variant. On other transcripts: non-coding transcript variant (5).
Genome position (GRCh38, 1-based): chr17:50,578,278, G>C. VCF-style: chr17-50578278-G-C. GRCh37 (hg19) VCF-style: chr17-48655639-G-C.
Other names: c.2015G>C, p.Arg672Pro (NM_001256324.2, NM_001256325.2, NM_001256326.2 and 24 more transcripts); short protein forms R672P.
Identifiers: ClinVar variation 2444786 (VCV002444786.2), dbSNP rs781198077, ClinGen allele CA400242738.
Genomic context (GRCh38, chr17:50,578,278, plus strand): 5'-GCCCTTGCTTGAAAGCAGACAGTGGAGCCTGTGGTCCAGACAGCTGCCCCTACTGTGCCC[G>C]GGCCGGGGCAGGGGAGGTGGAGCTCGCCGACCGTGAAATGCCTGACTCAGACAGCGAGGC-3'
Protein context (NP_061496.2, residues 662-682): CGPDSCPYCA[Arg672Pro]AGAGEVELAD

ClinVar aggregate classification (germline): Uncertain significance (1 of 4 stars; one submission).

gnomAD v4.1: 12 of 1,613,024 alleles (0.00074%); highest among the groups gnomAD compares: African/African-American, 0.011%; no homozygotes.

Submission:

GeneDx
Classification: Uncertain significance. Last evaluated: 2026-04-19. Review status: criteria provided, single submitter. Criteria: GeneDx Variant Classification Process June 2021. Collection method: clinical testing. Allele origin: germline.
Comment: Not observed at significant frequency in large population cohorts (gnomAD); In silico analysis supports that this missense variant has a deleterious effect on protein structure/function; Has not been previously published as pathogenic or benign to our knowledge